The following is an entry in ClinVar:

ClinVar aggregate classification (germline): Conflicting classifications of pathogenicity. Review status: criteria provided, conflicting classifications (1 of 4 stars). 9 submissions from 9 submitters: Uncertain significance (1); Benign (1); Likely benign (5). 2 of the submissions do not count toward it. Last evaluated 2026-06-01.

Conditions:
ANG-related disorder. Also called: ANG-related condition.
Amyotrophic lateral sclerosis type 9 (ALS9). Identifiers: Orphanet 803, MedGen C2678468, MONDO:0012753, OMIM 611895.

Allele frequency attached by ClinVar (database versions not stated): ExAC 0.00142; gnomAD exomes 0.00188 and 0.00118; gnomAD 0.00094 and 0.00091; TOPMed 0.00095; 1000 Genomes Project 0.00040; 1000 Genomes Project 30x 0.00047.
gnomAD v4.1: 2,878 of 1,614,170 alleles (0.18%); highest among the groups gnomAD compares: South Asian, 0.29%; 9 homozygotes.

Submissions (9):

CeGaT Center for Human Genetics Tuebingen
Classification: Benign. Last evaluated: 2026-06-01. Review status: criteria provided, single submitter. Criteria: CeGaT Center For Human Genetics Tuebingen Variant Classification Criteria Version 2. Collection method: clinical testing. Allele origin: germline. Affected: yes. Observed: 9 variant alleles.
Comment: ANG: BS1, BS2

Labcorp Genetics (formerly Invitae), Labcorp
Classification: Likely benign. Last evaluated: 2026-01-26. Review status: criteria provided, single submitter. Criteria: Invitae Variant Classification Sherloc (09022015). Collection method: clinical testing. Allele origin: germline.

Mayo Clinic Laboratories, Mayo Clinic
Classification: Likely benign. Last evaluated: 2023-06-27. Review status: criteria provided, single submitter. Criteria: ACMG Guidelines, 2015. Collection method: clinical testing. Allele origin: germline. Observed: 4 variant alleles.
Comment: BS2

Athena Diagnostics
Classification: Likely benign. Last evaluated: 2020-10-26. Review status: criteria provided, single submitter. Criteria: Athena Diagnostics criteria. Collection method: clinical testing. Allele origin: unknown.

GeneDx
Classification: Likely benign. Last evaluated: 2019-12-30. Review status: criteria provided, single submitter. Criteria: GeneDx Variant Classification Process June 2021. Collection method: clinical testing. Allele origin: germline. Affected: yes.
Comment: Functional analysis suggest that it disrupts protein function under certain laboratory conditions, however these results are inconsistent (Wu et al., 2007; Thiyagarajan et al., 2012); In silico analysis, which includes protein predictors and evolutionary conservation, supports a deleterious effect; Observed in healthy controls at the same frequency as in disease populations (van Es et al., 2011); This variant is associated with the following publications: (PMID: 19363631, 28444446, 20577002, 25382069, 22499346, 19444281, 19153377, 22522484, 23447461, 19449021, 17900154, 23047679, 17886298, 23463871, 23155438, 28430856, 22292843, 26255299, 22645277, 29895397, 19488901, 16501576, 22190368, 22384259, 23665167)

Mendelics
Classification: Uncertain significance for Amyotrophic lateral sclerosis type 9. Last evaluated: 2019-05-28. Review status: criteria provided, single submitter. Criteria: Mendelics Assertion Criteria 2017. Collection method: clinical testing. Allele origin: unknown.

Illumina Laboratory Services, Illumina
Classification: Likely benign for Amyotrophic lateral sclerosis type 9. Last evaluated: 2017-04-27. Review status: criteria provided, single submitter. Criteria: ICSL Variant Classification Criteria 13 December 2019. Collection method: clinical testing. Allele origin: germline.
Comment: This variant was observed as part of a predisposition screen in an ostensibly healthy population. A literature search was performed for the gene, cDNA change, and amino acid change (where applicable). Publications were found based on this search. The evidence from the literature, in combination with allele frequency data from public databases where available, was sufficient to determine this variant is unlikely to cause disease. Therefore, this variant is classified as likely benign.

PreventionGenetics, part of Exact Sciences
Classification: Likely benign for ANG-related condition. Last evaluated: 2020-02-20. Review status: no assertion criteria provided. Collection method: clinical testing. Allele origin: germline. Not counted in ClinVar's aggregate classification.
Comment: This variant is classified as likely benign based on ACMG/AMP sequence variant interpretation guidelines (Richards et al. 2015 PMID: 25741868, with internal and published modifications).

OMIM
Classification: Pathogenic for AMYOTROPHIC LATERAL SCLEROSIS 9. Last evaluated: 2010-08-01. Review status: no assertion criteria provided. Collection method: literature only. Allele origin: germline. Not counted in ClinVar's aggregate classification.

Literature cited by the submitters: PubMed 22292843 (cited by Athena Diagnostics); PubMed 23447461 (cited by Athena Diagnostics); PubMed 26255299 (cited by Athena Diagnostics); PubMed 25382069 (cited by Athena Diagnostics); PubMed 19449021 (cited by Athena Diagnostics); PubMed 23463871 (cited by Athena Diagnostics); PubMed 22522484 (cited by Athena Diagnostics); PubMed 19488901 (cited by Athena Diagnostics); PubMed 16501576 (cited by 3 submitters); PubMed 17886298 (cited by 3 submitters); PubMed 17900154 (cited by Athena Diagnostics); PubMed 19153377 (cited by 3 submitters); PubMed 19363631 (cited by Athena Diagnostics and Illumina Laboratory Services, Illumina); PubMed 20577002 (cited by 3 submitters); PubMed 32111867 (cited by Athena Diagnostics); PubMed 23665167 (cited by Athena Diagnostics); PubMed 31368019 (cited by Athena Diagnostics); PubMed 28444446 (cited by Athena Diagnostics); PubMed 22190368 (cited by Athena Diagnostics and Illumina Laboratory Services, Illumina); PubMed 22384259 (cited by Athena Diagnostics); PubMed 22645277 (cited by Athena Diagnostics); PubMed 23047679 (cited by Athena Diagnostics and Illumina Laboratory Services, Illumina); PubMed 22499346 (cited by Athena Diagnostics); PubMed 23155438 (cited by Athena Diagnostics); PubMed 19444281 (cited by Athena Diagnostics).

NM_001097577.3(ANG):c.122A>T (p.Lys41Ile)

Genes: ANG (angiogenin; plus strand), EGILA (EGFR interacting lncRNA; minus strand), RNASE4 (ribonuclease A family member 4; plus strand). Cytogenetic location: 14q11.2.
Variant type: single nucleotide variant.
Coding change: c.122A>T on transcript NM_001097577.3 (MANE Select); coding-DNA position 122, A replaced by T.
Protein change: p.Lys41Ile; replaces lysine 41 with isoleucine.
Molecular consequence: missense variant. On other transcripts: intron variant (4), non-coding transcript variant (1).
Genome position (GRCh38, 1-based): chr14:20,693,686, A>T. VCF-style: chr14-20693686-A-T. GRCh37 (hg19) VCF-style: chr14-21161845-A-T.
Other names: K17I; c.122A>T, p.Lys41Ile (NM_001385273.1, NM_001385274.1, NM_001145.4 and 2 more transcripts); c.-18+36A>T (NM_001282192.2); c.-17-5669A>T (NM_002937.5, NM_001282193.2); c.-18+4812A>T (NM_194431.3); short protein forms K41I.
Identifiers: ClinVar variation 18074 (VCV000018074.45), dbSNP rs121909536, ClinGen allele CA258091.